The following is an entry in ClinVar:

NM_152594.3(SPRED1):c.504T>C (p.Tyr168=)

Gene: SPRED1 (sprouty related EVH1 domain containing 1; plus strand). Cytogenetic location: 15q14.
Variant type: single nucleotide variant.
Coding change: c.504T>C on transcript NM_152594.3 (MANE Select); coding-DNA position 504, T replaced by C.
Protein change: p.Tyr168=; no amino-acid change (tyrosine 168 retained).
Molecular consequence: synonymous variant.
Genome position (GRCh38, 1-based): chr15:38,339,817, T>C. VCF-style: chr15-38339817-T-C. GRCh37 (hg19) VCF-style: chr15-38632018-T-C.
Identifiers: ClinVar variation 1745032 (VCV001745032.3), dbSNP rs1421357473, ClinGen allele CA489922625.

ClinVar aggregate classification (germline): Likely benign. Review status: criteria provided, multiple submitters, no conflicts (2 of 4 stars). 2 submissions from 2 submitters: Likely benign (2). Last evaluated 2026-01-23.

Conditions:
SPRED1-related disorder. Also called: SPRED1-related condition.
Cardiovascular phenotype. Identifiers: MedGen CN230736.

Allele frequency attached by ClinVar (database versions not stated): gnomAD exomes below 0.00001.
gnomAD v4.1: 4 of 1,613,978 alleles (0.00025%); highest among the groups gnomAD compares: African/African-American, 0.0027%; no homozygotes.

Submissions (2):

PreventionGenetics, part of Exact Sciences
Classification: Likely benign for SPRED1-related condition. Last evaluated: 2026-01-23. Review status: criteria provided, single submitter. Criteria: ACMG Guidelines, 2015. Collection method: clinical testing. Allele origin: germline.
Comment: This variant is classified as likely benign based on ACMG/AMP sequence variant interpretation guidelines (Richards et al. 2015 PMID: 25741868, with internal and published modifications).

Ambry Genetics
Classification: Likely benign for Cardiovascular phenotype. Last evaluated: 2022-04-09. Review status: criteria provided, single submitter. Criteria: Ambry Variant Classification Scheme 2023. Collection method: clinical testing. Allele origin: germline.